The following is an entry in ClinVar:

NM_001009944.3(PKD1):c.10426G>A (p.Val3476Ile)

Gene: PKD1 (polycystin 1, transient receptor potential channel interacting; minus strand). Cytogenetic location: 16p13.3.
Variant type: single nucleotide variant.
Coding change: c.10426G>A on transcript NM_001009944.3 (MANE Select); coding-DNA position 10426, G replaced by A.
Protein change: p.Val3476Ile; replaces valine 3476 with isoleucine.
Molecular consequence: missense variant.
Genome position (GRCh38, 1-based): chr16:2,097,221, C>T on the plus strand (G>A on the coding strand, the complement: PKD1 is on the minus strand). VCF-style: chr16-2097221-C-T. GRCh37 (hg19) VCF-style: chr16-2147222-C-T.
Other names: c.10423G>A, p.Val3475Ile (NM_000296.4); short protein forms V3475I, V3476I.
Identifiers: ClinVar variation 812066 (VCV000812066.9), dbSNP rs776616291, ClinGen allele CA7829588.

ClinVar aggregate classification (germline): Uncertain significance. Review status: criteria provided, multiple submitters, no conflicts (2 of 4 stars). 2 submissions from 2 submitters: Uncertain significance (2). Last evaluated 2024-06-13.

Conditions:
Polycystic kidney disease, adult type (PKD1). Also called: POLYCYSTIC KIDNEY DISEASE 1 WITH OR WITHOUT POLYCYSTIC LIVER DISEASE; POLYCYSTIC KIDNEY DISEASE, ADULT, TYPE I; Polycystic Kidney, Autosomal Dominant; Polycystic Kidney Disease 1, Autosomal Dominant; Polycystic kidney disease 1; Polycystic kidney disease 1, severe. Identifiers: MedGen C3149841, MONDO:0008263, OMIM 173900.

Allele frequency attached by ClinVar (database versions not stated): TOPMed 0.00002; ExAC 0.00004.
gnomAD v4.1: 22 of 1,578,074 alleles (0.0014%); highest among the groups gnomAD compares: African/African-American, 0.013%; no homozygotes.

Submissions (2):

Fulgent Genetics
Classification: Uncertain significance for Polycystic kidney disease, adult type. Last evaluated: 2024-06-13. Review status: criteria provided, single submitter. Criteria: ACMG Guidelines, 2015. Collection method: clinical testing. Allele origin: germline.

ARUP Laboratories, Molecular Genetics and Genomics, ARUP Laboratories
Classification: Uncertain significance for Polycystic kidney disease, adult type. Last evaluated: 2019-06-04. Review status: criteria provided, single submitter. Criteria: ARUP Molecular Germline Variant Investigation Process. Collection method: clinical testing. Allele origin: germline.
Comment: The PKD1 c.10426G>A; p.Val3476Ile variant (rs776616291), to our knowledge, is not reported in the medical literature or gene specific databases. This variant is only observed on six alleles in the Genome Aggregation Database, indicating it is not a common polymorphism. The valine at codon 3476 is weakly conserved, and computational analyses (SIFT, PolyPhen-2) predict that this variant is tolerated. Due to limited information, the clinical significance of the p.Val3476Ile variant is uncertain at this time.